The following is an entry in ClinVar:

ClinVar aggregate classification (germline): Pathogenic (1 of 4 stars; one submission).

Conditions:
Multiple congenital anomalies-hypotonia-seizures syndrome 1 (MCAHS1). Also called: PIGN-CDG; Congenital disorder of glycosylation due to PIGN deficiency; GLYCOSYLPHOSPHATIDYLINOSITOL BIOSYNTHESIS DEFECT 3. Identifiers: Orphanet 280633, MedGen C3279775, MONDO:0013563, OMIM 614080.

Allele frequency attached by ClinVar (database versions not stated): gnomAD exomes 0.00002.

Submission:

Labcorp Genetics (formerly Invitae), Labcorp
Classification: Pathogenic for Multiple congenital anomalies-hypotonia-seizures syndrome 1. Last evaluated: 2023-02-11. Review status: criteria provided, single submitter. Criteria: Invitae Variant Classification Sherloc (09022015). Collection method: clinical testing. Allele origin: germline.
Comment: This sequence change creates a premature translational stop signal (p.Tyr60*) in the PIGN gene. It is expected to result in an absent or disrupted protein product. Loss-of-function variants in PIGN are known to be pathogenic (PMID: 24253414, 27038415). For these reasons, this variant has been classified as Pathogenic. This variant has not been reported in the literature in individuals affected with PIGN-related conditions. This variant is present in population databases (no rsID available, gnomAD 0.002%).

Literature cited by the submitters: PubMed 24253414; PubMed 27038415.

NM_176787.5(PIGN):c.179dup (p.Tyr60Ter)

Gene: PIGN (phosphatidylinositol glycan anchor biosynthesis class N; minus strand). Cytogenetic location: 18q21.33.
Variant type: Duplication.
Coding change: c.179dup on transcript NM_176787.5 (MANE Select); coding-DNA position 179, one base duplicated (A; older notation c.179dupA).
Protein change: p.Tyr60Ter; replaces tyrosine 60 with a stop codon.
Molecular consequence: nonsense.
Genome position (GRCh38, 1-based): chr18:62,161,175, T duplicated on the plus strand (A on the coding strand, the reverse complement: PIGN is on the minus strand). VCF-style (leftmost placement, unchanged base first): chr18-62161174-G-GT. GRCh37 (hg19) VCF-style: chr18-59828407-G-GT.
Other names: c.179dup, p.Tyr60Ter (NM_012327.6); short protein forms Y60*.
Identifiers: ClinVar variation 3020315 (VCV003020315.3), dbSNP rs1568244668, ClinGen allele CA630108360.